The following is an entry in ClinVar:

ClinVar aggregate classification (germline): Uncertain significance. Review status: criteria provided, multiple submitters, no conflicts (2 of 4 stars). 2 submissions from 2 submitters: Uncertain significance (2). Last evaluated 2023-12-15.

Conditions:
Hereditary cancer-predisposing syndrome. Also called: Neoplastic Syndromes, Hereditary; Hereditary Cancer Syndrome; Hereditary neoplastic syndrome; Tumor predisposition. Identifiers: Orphanet 140162, MedGen C0027672, MeSH D009386, MONDO:0015356.

Allele frequency attached by ClinVar (database versions not stated): TOPMed below 0.00001; gnomAD 0.00001.
gnomAD v4.1: 1 of 1,614,092 alleles (0.000062%); highest among the groups gnomAD compares: Non-Finnish European, 0.000085%; no homozygotes.

Submissions (2):

Ambry Genetics
Classification: Uncertain significance for Hereditary cancer-predisposing syndrome. Last evaluated: 2023-12-15. Review status: criteria provided, single submitter. Criteria: Ambry Variant Classification Scheme 2023. Collection method: clinical testing. Allele origin: germline.
Comment: The p.L221F variant (also known as c.661C>T), located in coding exon 5 of the CTNNA1 gene, results from a C to T substitution at nucleotide position 661. The leucine at codon 221 is replaced by phenylalanine, an amino acid with highly similar properties. This amino acid position is conserved. In addition, this alteration is predicted to be deleterious by in silico analysis. Since supporting evidence is limited at this time, the clinical significance of this alteration remains unclear.

Labcorp Genetics (formerly Invitae), Labcorp
Classification: Uncertain significance. Last evaluated: 2021-12-25. Review status: criteria provided, single submitter. Criteria: Invitae Variant Classification Sherloc (09022015). Collection method: clinical testing. Allele origin: germline.
Comment: This sequence change replaces leucine, which is neutral and non-polar, with phenylalanine, which is neutral and non-polar, at codon 221 of the CTNNA1 protein (p.Leu221Phe). This variant is not present in population databases (gnomAD no frequency). This variant has not been reported in the literature in individuals affected with CTNNA1-related conditions. Algorithms developed to predict the effect of missense changes on protein structure and function are either unavailable or do not agree on the potential impact of this missense change (SIFT: "Deleterious"; PolyPhen-2: "Probably Damaging"; Align-GVGD: "Class C0"). In summary, the available evidence is currently insufficient to determine the role of this variant in disease. Therefore, it has been classified as a Variant of Uncertain Significance.

NM_001903.5(CTNNA1):c.661C>T (p.Leu221Phe)

Gene: CTNNA1 (catenin alpha 1; plus strand). Cytogenetic location: 5q31.2.
Variant type: single nucleotide variant.
Coding change: c.661C>T on transcript NM_001903.5 (MANE Select); coding-DNA position 661, C replaced by T.
Protein change: p.Leu221Phe; replaces leucine 221 with phenylalanine.
Molecular consequence: missense variant.
Genome position (GRCh38, 1-based): chr5:138,824,602, C>T. VCF-style: chr5-138824602-C-T. GRCh37 (hg19) VCF-style: chr5-138160291-C-T.
Other names: c.661C>T (NM_001903.2); c.661C>T, p.Leu221Phe (NM_001290307.3, NM_001323982.2, NM_001323983.1 and 3 more transcripts); c.352C>T, p.Leu118Phe (NM_001290309.3); c.292C>T, p.Leu98Phe (NM_001290310.3); short protein forms L221F, L118F, L98F.
Identifiers: ClinVar variation 2042139 (VCV002042139.5), dbSNP rs1418040582, ClinGen allele CA361129627.
Genomic context (GRCh38, chr5:138,824,602, plus strand): 5'-GTTGGCCATCGTGATCAGATGGCTGCAGCTAGAGGAATCCTGCAGAAGAACGTTCCGATC[C>T]TCTATACTGCATCCCAGGCATGCCTACAGCACCCTGATGTCGCAGCCTATAAGGCCAACA-3'
Protein context (NP_001894.2, residues 211-231): RGILQKNVPI[Leu221Phe]YTASQACLQH